The following is an entry in ClinVar:

NM_012479.4(YWHAG):c.425A>G (p.Lys142Arg)

Gene: YWHAG (tyrosine 3-monooxygenase/tryptophan 5-monooxygenase activation protein gamma; minus strand). Cytogenetic location: 7q11.23.
Variant type: single nucleotide variant.
Coding change: c.425A>G on transcript NM_012479.4 (MANE Select); coding-DNA position 425, A replaced by G.
Protein change: p.Lys142Arg; replaces lysine 142 with arginine.
Molecular consequence: missense variant.
Genome position (GRCh38, 1-based): chr7:76,329,896, T>C on the plus strand (A>G on the coding strand, the complement: YWHAG is on the minus strand). VCF-style: chr7-76329896-T-C. GRCh37 (hg19) VCF-style: chr7-75959213-T-C.
Other names: short protein forms K142R.
Identifiers: ClinVar variation 2108569 (VCV002108569.4), dbSNP rs1224824021, ClinGen allele CA367777240.
Genomic context (GRCh38, chr7:76,329,896, plus strand): 5'-TTGCTGATCTCGTGGGCTTCGCTGTAGGCCTTCTCGGAGGACTCCACCACCGTCGCCCTT[T>C]TCTCTCCGGTGGCCACTTCAGCCAGGTAGCGGTAGTAGTCCCCTTTCATCTTCAGGTAGA-3'
Protein context (NP_036611.2, residues 132-152): RYLAEVATGE[Lys142Arg]RATVVESSEK

ClinVar aggregate classification (germline): Uncertain significance (1 of 4 stars; one submission).

Allele frequency attached by ClinVar (database versions not stated): gnomAD exomes below 0.00001; TOPMed below 0.00001.
gnomAD v4.1: 4 of 1,614,056 alleles (0.00025%); highest among the groups gnomAD compares: Non-Finnish European, 0.00017%; no homozygotes.

Submission:

Labcorp Genetics (formerly Invitae), Labcorp
Classification: Uncertain significance. Last evaluated: 2025-02-15. Review status: criteria provided, single submitter. Criteria: Invitae Variant Classification Sherloc (09022015). Collection method: clinical testing. Allele origin: germline.
Comment: This sequence change replaces lysine, which is basic and polar, with arginine, which is basic and polar, at codon 142 of the YWHAG protein (p.Lys142Arg). This variant is present in population databases (no rsID available, gnomAD no frequency). This variant has not been reported in the literature in individuals affected with YWHAG-related conditions. ClinVar contains an entry for this variant (Variation ID: 2108569). Invitae Evidence Modeling of protein sequence and biophysical properties (such as structural, functional, and spatial information, amino acid conservation, physicochemical variation, residue mobility, and thermodynamic stability) indicates that this missense variant is not expected to disrupt YWHAG protein function with a negative predictive value of 80%. In summary, the available evidence is currently insufficient to determine the role of this variant in disease. Therefore, it has been classified as a Variant of Uncertain Significance.